The following is an entry in ClinVar:

NM_001374736.1(DST):c.274C>T (p.Arg92Cys)

Gene: DST (dystonin; minus strand). Cytogenetic location: 6p12.1.
Variant type: single nucleotide variant.
Coding change: c.274C>T on transcript NM_001374736.1 (MANE Select); coding-DNA position 274, C replaced by T.
Protein change: p.Arg92Cys; replaces arginine 92 with cysteine.
Molecular consequence: missense variant.
Genome position (GRCh38, 1-based): chr6:56,900,564, G>A on the plus strand (C>T on the coding strand, the complement: DST is on the minus strand). VCF-style: chr6-56900564-G-A. GRCh37 (hg19) VCF-style: chr6-56765362-G-A.
Other names: c.274C>T, p.Arg92Cys (NM_001144769.5, NM_001374722.1); c.301C>T, p.Arg101Cys (NM_001374734.1); short protein forms R101C, R92C.
Identifiers: ClinVar variation 1795534 (VCV001795534.2), dbSNP rs748769120, ClinGen allele CA139719864.
Genomic context (GRCh38, chr6:56,900,564, plus strand): 5'-CTGAAGTTTCTTGCTCACTCTGATGGTGAACTTCCACCACGGGCTTCACTTCTTCCAGAC[G>A]GGCAGCTGCGGCCGCTGCAACTCGTCTTCTAAGATGCCGAGGGCTTGCTCTGAATCCCTG-3'
Protein context (NP_001361665.1, residues 82-102): RRRVAAAAAA[Arg92Cys]LEEVKPVVEV

ClinVar aggregate classification (germline): Uncertain significance (1 of 4 stars; one submission).

Conditions:
Inborn genetic diseases. Identifiers: MedGen C0950123, MeSH D030342.

Allele frequency attached by ClinVar (database versions not stated): TOPMed 0.00001; gnomAD 0.00002; gnomAD exomes 0.00002.

Submission:

Ambry Genetics
Classification: Uncertain significance for Inborn genetic diseases. Last evaluated: 2021-04-12. Review status: criteria provided, single submitter. Criteria: Ambry Variant Classification Scheme 2023. Collection method: clinical testing. Allele origin: germline.
Comment: The p.R92C variant (also known as c.274C>T), located in coding exon 3 of the DST gene, results from a C to T substitution at nucleotide position 274. The arginine at codon 92 is replaced by cysteine, an amino acid with highly dissimilar properties. This amino acid position is highly conserved in available vertebrate species. In addition, the in silico prediction for this alteration is inconclusive. Since supporting evidence is limited at this time, the clinical significance of this alteration remains unclear.